The following is an entry in ClinVar:

ClinVar aggregate classification (germline): Benign. Review status: criteria provided, multiple submitters, no conflicts (2 of 4 stars). 2 submissions from 2 submitters: Benign (2). Last evaluated 2018-01-13.

Conditions:
Melanoma, cutaneous malignant, susceptibility to, 5. Also called: Cutaneous malignant melanoma 5. Identifiers: Orphanet 618, MedGen C2751295, MONDO:0013133, OMIM 613099.

Allele frequency attached by ClinVar (database versions not stated): gnomAD exomes 0.52867; gnomAD 0.59357; TOPMed 0.61194; 1000 Genomes Project 0.74661; 1000 Genomes Project 30x 0.74844.

Submissions (2):

Illumina Laboratory Services, Illumina
Classification: Benign for Melanoma, cutaneous malignant, susceptibility to, 5. Last evaluated: 2018-01-13. Review status: criteria provided, single submitter. Criteria: ICSL Variant Classification Criteria 13 December 2019. Collection method: clinical testing. Allele origin: germline.
Comment: This variant was observed in the ICSL laboratory as part of a predisposition screen in an ostensibly healthy population. It had not been previously curated by ICSL or reported in the Human Gene Mutation Database (HGMD: prior to June 1st, 2018), and was therefore a candidate for classification through an automated scoring system. Utilizing variant allele frequency, disease prevalence and penetrance estimates, and inheritance mode, an automated score was calculated to assess if this variant is too frequent to cause the disease. Based on the score and internal cut-off values, a variant classified as benign is not then subjected to further curation. The score for this variant resulted in a classification of benign for this disease.

Breakthrough Genomics
Classification: Benign. Review status: criteria provided, single submitter. Criteria: ACMG Guidelines, 2015. Collection method: not provided. Allele origin: germline. Inheritance: Autosomal recessive inheritance. Affected: yes.

NM_002386.3(MC1R):c.-928A>G

Gene: MC1R (melanocortin 1 receptor; plus strand). Cytogenetic location: 16q24.3.
Variant type: single nucleotide variant.
Coding change: c.-928A>G on transcript NM_002386.3; 928 bases upstream of the start codon, A replaced by G.
Genome position (GRCh38, 1-based): chr16:89,918,331, A>G. VCF-style: chr16-89918331-A-G. GRCh37 (hg19) VCF-style: chr16-89984739-A-G.
Identifiers: ClinVar variation 321394 (VCV000321394.8), dbSNP rs3212358, ClinGen allele CA10648416.